The following is an entry in ClinVar:

NM_001759.4(CCND2):c.802G>A (p.Gly268Arg)

Gene: CCND2 (cyclin D2; plus strand). Cytogenetic location: 12p13.32.
Variant type: single nucleotide variant.
Coding change: c.802G>A on transcript NM_001759.4 (MANE Select); coding-DNA position 802, G replaced by A.
Protein change: p.Gly268Arg; replaces glycine 268 with arginine.
Molecular consequence: missense variant.
Genome position (GRCh38, 1-based): chr12:4,299,941, G>A. VCF-style: chr12-4299941-G-A. GRCh37 (hg19) VCF-style: chr12-4409107-G-A.
Other names: short protein forms G268R.
Identifiers: ClinVar variation 1280659 (VCV001280659.10), dbSNP rs3217921, ClinGen allele CA6395333.

ClinVar aggregate classification (germline): Benign/Likely benign. Review status: criteria provided, multiple submitters, no conflicts (2 of 4 stars). 5 submissions from 5 submitters: Benign (1); Likely benign (4). Last evaluated 2025-06-18.

Conditions:
Megalencephaly-polymicrogyria-polydactyly-hydrocephalus syndrome 3 (MPPH3). Identifiers: Orphanet 83473, MedGen C4014742, MONDO:0014408, OMIM 615938.
CCND2-related disorder. Also called: CCND2-related condition.

Allele frequency attached by ClinVar (database versions not stated): ESP Exome Variant Server 0.00008; 1000 Genomes Project 30x 0.00031; ExAC 0.00039; 1000 Genomes Project 0.00040.
gnomAD v4.1: 352 of 1,614,146 alleles (0.022%); highest among the groups gnomAD compares: South Asian, 0.32%; 4 homozygotes.

Submissions (5):

PreventionGenetics, part of Exact Sciences
Classification: Likely benign for CCND2-related condition. Last evaluated: 2025-06-18. Review status: criteria provided, single submitter. Criteria: ACMG Guidelines, 2015. Collection method: clinical testing. Allele origin: germline.
Comment: This variant is classified as likely benign based on ACMG/AMP sequence variant interpretation guidelines (Richards et al. 2015 PMID: 25741868, with internal and published modifications).

Labcorp Genetics (formerly Invitae), Labcorp
Classification: Likely benign. Last evaluated: 2024-09-11. Review status: criteria provided, single submitter. Criteria: Invitae Variant Classification Sherloc (09022015). Collection method: clinical testing. Allele origin: germline.

Blueprint Genetics
Classification: Likely benign. Last evaluated: 2024-05-21. Review status: criteria provided, single submitter. Criteria: ACMG Guidelines, 2015. Collection method: clinical testing. Allele origin: germline.

Department of Pathology and Laboratory Medicine, Sinai Health System
Classification: Likely benign for megalencephaly-polymicrogyria-polydactyly-hydrocephalus syndrome 3. Last evaluated: 2022-11-27. Review status: criteria provided, single submitter. Criteria: ACMG Guidelines, 2015. Collection method: research. Allele origin: germline.

GeneDx
Classification: Benign. Last evaluated: 2018-12-03. Review status: criteria provided, single submitter. Criteria: GeneDx Variant Classification Process June 2021. Collection method: clinical testing. Allele origin: germline. Affected: yes.